The following is an entry in ClinVar:

ClinVar aggregate classification (germline): Uncertain significance (1 of 4 stars; one submission).

Conditions:
Camptomelic dysplasia (CMPD). Also called: Campomelic Dysplasia; CMPD1/SRA1. Identifiers: Orphanet 140, MedGen C1861922, MONDO:0007251, OMIM 114290.

Submission:

Labcorp Genetics (formerly Invitae), Labcorp
Classification: Uncertain significance for Camptomelic dysplasia. Last evaluated: 2025-08-18. Review status: criteria provided, single submitter. Criteria: Invitae Variant Classification Sherloc (09022015). Collection method: clinical testing. Allele origin: germline.
Comment: This sequence change replaces proline, which is neutral and non-polar, with leucine, which is neutral and non-polar, at codon 354 of the SOX9 protein (p.Pro354Leu). This variant is not present in population databases (gnomAD no frequency). This variant has not been reported in the literature in individuals affected with SOX9-related conditions. Invitae Evidence Modeling of protein sequence and biophysical properties (such as structural, functional, and spatial information, amino acid conservation, physicochemical variation, residue mobility, and thermodynamic stability) indicates that this missense variant is not expected to disrupt SOX9 protein function with a negative predictive value of 95%. In summary, the available evidence is currently insufficient to determine the role of this variant in disease. Therefore, it has been classified as a Variant of Uncertain Significance.

NM_000346.4(SOX9):c.1061C>T (p.Pro354Leu)

Gene: SOX9 (SRY-box transcription factor 9; plus strand). Cytogenetic location: 17q24.3.
Variant type: single nucleotide variant.
Coding change: c.1061C>T on transcript NM_000346.4 (MANE Select); coding-DNA position 1061, C replaced by T.
Protein change: p.Pro354Leu; replaces proline 354 with leucine.
Molecular consequence: missense variant.
Genome position (GRCh38, 1-based): chr17:72,123,918, C>T. VCF-style: chr17-72123918-C-T. GRCh37 (hg19) VCF-style: chr17-70120059-C-T.
Other names: short protein forms P354L.
Identifiers: ClinVar variation 4747674 (VCV004747674.1).